The following is an entry in ClinVar:

ClinVar aggregate classification (germline): Pathogenic (1 of 4 stars; one submission).

Conditions:
Juvenile polyposis syndrome (JPS). Identifiers: Orphanet 2929, MedGen C0345893, MONDO:0017380, OMIM 174900.

Submission:

Labcorp Genetics (formerly Invitae), Labcorp
Classification: Pathogenic for Juvenile polyposis syndrome. Last evaluated: 2024-03-14. Review status: criteria provided, single submitter. Criteria: Invitae Variant Classification Sherloc (09022015). Collection method: clinical testing. Allele origin: germline.
Comment: This sequence change creates a premature translational stop signal (p.Glu411Lysfs*7) in the BMPR1A gene. It is expected to result in an absent or disrupted protein product. Loss-of-function variants in BMPR1A are known to be pathogenic (PMID: 11536076, 12417513). This variant is not present in population databases (gnomAD no frequency). This variant has not been reported in the literature in individuals affected with BMPR1A-related conditions. For these reasons, this variant has been classified as Pathogenic.

Literature cited by the submitters: PubMed 11536076; PubMed 12417513.

NM_004329.3(BMPR1A):c.1231del (p.Glu411fs)

Gene: BMPR1A (bone morphogenetic protein receptor type 1A; plus strand). Cytogenetic location: 10q23.2.
Variant type: Deletion.
Coding change: c.1231del on transcript NM_004329.3 (MANE Select); coding-DNA position 1231, one base deleted (G; older notation c.1231delG).
Protein change: p.Glu411fs; shifts the reading frame from glutamic acid 411.
Molecular consequence: frameshift variant. On other transcripts: non-coding transcript variant (3).
Genome position (GRCh38, 1-based): chr10:86,921,584, G deleted. VCF-style (leftmost placement, unchanged base first): chr10-86921583-CG-C. GRCh37 (hg19) VCF-style: chr10-88681340-CG-C.
Other names: c.1231del, p.Glu411fs (NM_001406579.1, NM_001406580.1, NM_001406581.1 and 19 more transcripts); c.1225del, p.Glu409fs (NM_001406583.1); c.1147del, p.Glu383fs (NM_001406584.1, NM_001406585.1, NM_001406586.1 and 2 more transcripts); c.889del, p.Glu297fs (NM_001406589.1); c.1306del, p.Glu436fs (NM_001406559.1); c.1279del, p.Glu427fs (NM_001406560.1); short protein forms E297fs, E436fs, E409fs, E427fs, E383fs, E411fs.
Identifiers: ClinVar variation 3645950 (VCV003645950.2).